The following is an entry in ClinVar:

NM_000441.2(SLC26A4):c.1896G>A (p.Lys632=)

Gene: SLC26A4 (solute carrier family 26 member 4; plus strand). Cytogenetic location: 7q22.3.
Variant type: single nucleotide variant.
Coding change: c.1896G>A on transcript NM_000441.2 (MANE Select); coding-DNA position 1896, G replaced by A.
Protein change: p.Lys632=; no amino-acid change (lysine 632 retained).
Molecular consequence: synonymous variant.
Genome position (GRCh38, 1-based): chr7:107,701,919, G>A. VCF-style: chr7-107701919-G-A. GRCh37 (hg19) VCF-style: chr7-107342364-G-A.
Identifiers: ClinVar variation 3005723 (VCV003005723.16), dbSNP rs758498157, ClinGen allele CA4432976.

ClinVar aggregate classification (germline): Likely benign. Review status: criteria provided, multiple submitters, no conflicts (2 of 4 stars). 2 submissions from 2 submitters: Likely benign (2). Last evaluated 2025-03-01.

Allele frequency attached by ClinVar (database versions not stated): gnomAD exomes below 0.00001; ExAC 0.00001.
gnomAD v4.1: 2 of 1,613,344 alleles (0.00012%); highest among the groups gnomAD compares: Non-Finnish European, 0.00017%; no homozygotes.

Submissions (2):

CeGaT Center for Human Genetics Tuebingen
Classification: Likely benign. Last evaluated: 2025-03-01. Review status: criteria provided, single submitter. Criteria: CeGaT Center For Human Genetics Tuebingen Variant Classification Criteria Version 2. Collection method: clinical testing. Allele origin: germline. Affected: yes. Observed: 1 variant allele.
Comment: SLC26A4: BP4, BP7

Labcorp Genetics (formerly Invitae), Labcorp
Classification: Likely benign. Last evaluated: 2023-08-25. Review status: criteria provided, single submitter. Criteria: Invitae Variant Classification Sherloc (09022015). Collection method: clinical testing. Allele origin: germline.